The following is an entry in ClinVar:

ClinVar aggregate classification (germline): Likely pathogenic. Review status: reviewed by expert panel (3 of 4 stars). 8 submissions from 6 submitters: Likely pathogenic (1). 7 of the submissions do not count toward it. Last evaluated 2022-06-30.

Conditions:
Leigh syndrome due to mitochondrial complex I deficiency. Identifiers: MedGen C1838951.
Primary Mitochondrial Disorders. Identifiers: MedGen CN381104.
Mitochondrial disease. Also called: Mitochondrial disorder; Mitochondrial disorders. Identifiers: Orphanet 68380, MedGen C0751651, MeSH D028361, MONDO:0044970.
MERRF syndrome (MERRF). Also called: MYOCLONIC EPILEPSY ASSOCIATED WITH RAGGED-RED FIBERS; Myoclonus with epilepsy with ragged red fibers; Myoencephalopathy ragged-red fiber disease. Identifiers: Orphanet 551, MedGen C0162672, MONDO:0010790, OMIM 545000.
MELAS syndrome (MELAS). Also called: Juvenile myopathy, encephalopathy, lactic acidosis, stroke. Identifiers: Orphanet 550, MedGen C0162671, MONDO:0010789, OMIM 540000.
Leber optic atrophy (LHON). Also called: Leber hereditary optic neuropathy; Leber's disease; Leber's optic atrophy; Optic Atrophy, Hereditary, Leber. Identifiers: Orphanet 104, MedGen C0917796, MONDO:0010788, OMIM 535000, HP:0001112.

Submissions (8):

ClinGen Mitochondrial Disease Nuclear and Mitochondrial  Variant Curation Expert Panel, ClinGen
Classification: Likely pathogenic for Mitochondrial disease. Last evaluated: 2022-06-30. Review status: reviewed by expert panel. Criteria: clingen mito disease acmg specifications v1-1. Collection method: curation. Allele origin: germline. Inheritance: Mitochondrial inheritance.
Comment: The m.13042G>A (p.A236T) variant in MT-ND5 has been reported in six unrelated individuals with primary mitochondrial disease with onset ranging from the first year of life to adulthood; and features variably consistent CPEO, LHON, MERRF/MELAS, Leigh-like syndrome (PS4_moderate; PMIDs: 15767514; 17400793; 31996177; 16816025). In another family, this variant segregated with Leigh syndrome in the proband (heteroplasmy level in in blood was 77%, in muscle was 84%, in fibroblasts was 86%); the healthy mother harbored the variant in hair (25%) and blood (11%); and the proband’s maternal grandmother was found to have the variant at < 2% in blood and between 4-6% in muscle (PP1_moderate, PMIDs: 16816025 17400793). There are no reports of confirmed de novo occurrences to our knowledge. This variant is absent in the Helix dataset and gnomAD v3.1.2, and there is only one occurrence in the GenBank dataset (PM2_supporting). The computational predictor APOGEE gives a consensus rating of pathogenic with a score of 0.85 (Min=0, Max=1), which predicts a damaging effect on gene function (PP3). There are no cybrids, single fiber studies, or other functional assays reported on this variant. In summary, this variant meets criteria to be classified as likely pathogenic for primary mitochondrial disease inherited in a mitochondrial manner. This classification was approved by the NICHD/NINDS U24 Mitochondrial Disease Variant Curation Expert Panel on June 13, 2022. Mitochondrial DNA-specific ACMG/AMP criteria applied (PMID: 32906214): PS4_moderate, PP1_moderate, PP3, PM2_supporting.

Variantyx, Inc.
Classification: Likely pathogenic for Primary mitochondrial disorders. Last evaluated: 2025-11-24. Review status: criteria provided, single submitter. Criteria: Variantyx Assertion Criteria 2022. Collection method: clinical testing. Allele origin: germline. Not counted in ClinVar's aggregate classification.
Comment: The m.13042G>A, c.706G>A, p.Ala236Thr change is a nonsynonymous single nucleotide variant in the MT-ND5 gene. Pathogenic variants in this gene have been associated with primary mitochondrial disorders. This variant has been reported in at least 4 unrelated affected individual(s) (PMID: 17400793, 15767514, 31996177, 16816025) (PS4_Moderate) and it has been observed to segregate with disease in at least 6 individuals from 2 families. Unaffected family members may have lower to undetectable levels of the variant (PMID: 16816025, 17400793) (PP1_Moderate). Computational algorithms support a deleterious effect on the gene or gene product (Aggregate Predicted Severity Score: 0.5) (PP3). This variant is absent from control populations (PM2). Other reputable laboratories have reported this variant as pathogenic or likely pathogenic, and this classification has been validated by an expert panel in ClinVar (PP5). Based on the current evidence, this variant is classified as likely pathogenic for primary mitochondrial disorders.

3billion
Classification: Likely pathogenic for MELAS syndrome. Last evaluated: 2025-10-25. Review status: criteria provided, single submitter. Criteria: ACMG Guidelines, 2015. Collection method: clinical testing. Allele origin: germline. Affected: yes. Not counted in ClinVar's aggregate classification.
Comment: The variant is not observed in the gnomAD v4.1.0 dataset. Predicted Consequence/Location: Mitochondrial variant In silico tool predictions suggest damaging effect of the variant on gene or gene product [APOGEE2: 0.89 (>= 0.716)]. The same nucleotide change resulting in the same amino acid change has been previously reported as pathogenic/likely pathogenic with strong evidence (3billion dataset/ClinVar ID: VCV000009703). Therefore, this variant is classified as Likely pathogenic according to the recommendation of ACMG/AMP guideline.

Wong Mito Lab, Molecular and Human Genetics, Baylor College of Medicine
Classification: Pathogenic for Leber optic atrophy. Last evaluated: 2019-10-17. Review status: criteria provided, single submitter. Criteria: Modified ACMG Guidelines (Unpublished). Collection method: clinical testing. Allele origin: germline. Not counted in ClinVar's aggregate classification.
Comment: The NC_012920.1:m.13042G>A (YP_003024036.1:p.Ala236Thr) variant in MTND5 gene is interpretated to be a Pathogenic variant based on the modified ACMG guidelines (unpublished). This variant meets the following evidence codes: PS1, PM8, PM9, PM10

OMIM
Classification: Pathogenic for MELAS SYNDROME. Last evaluated: 2007-04-01. Review status: no assertion criteria provided. Collection method: literature only. Allele origin: germline. Not counted in ClinVar's aggregate classification.

OMIM
Classification: Pathogenic for MERRF SYNDROME. Last evaluated: 2007-04-01. Review status: no assertion criteria provided. Collection method: literature only. Allele origin: germline. Not counted in ClinVar's aggregate classification.

OMIM
Classification: Pathogenic for LEIGH SYNDROME DUE TO MITOCHONDRIAL COMPLEX I DEFICIENCY. Last evaluated: 2007-04-01. Review status: no assertion criteria provided. Collection method: literature only. Allele origin: germline. Not counted in ClinVar's aggregate classification.

GeneReviews
No classification provided. Condition: MELAS syndrome. Review status: no classification provided. Collection method: literature only. Allele origin: maternal. Not counted in ClinVar's aggregate classification.

Literature cited by the submitters: PubMed 16816025 (cited by Wong Mito Lab, Molecular and Human Genetics, Baylor College of Medicine); PubMed 18332249 (cited by Wong Mito Lab, Molecular and Human Genetics, Baylor College of Medicine); PubMed 15767514 (cited by OMIM and GeneReviews); PubMed 17400793 (cited by OMIM).

NC_012920.1(MT-ND5):m.13042G>A

Gene: MT-ND5 (mitochondrially encoded NADH dehydrogenase 5; plus strand).
Variant type: single nucleotide variant.
Genome position: chrM-13042-G-A.
Other names: MTND5, 13042G-A, ALA236THR; A236T.
Identifiers: ClinVar variation 9703 (VCV000009703.7), dbSNP rs267606898, ClinGen allele CA120633.